The following is an entry in ClinVar:

NM_000238.4(KCNH2):c.688G>T (p.Glu230Ter)

Gene: KCNH2 (potassium voltage-gated channel subfamily H member 2; minus strand). Cytogenetic location: 7q36.1.
Variant type: single nucleotide variant.
Coding change: c.688G>T on transcript NM_000238.4 (MANE Select); coding-DNA position 688, G replaced by T.
Protein change: p.Glu230Ter; replaces glutamic acid 230 with a stop codon.
Molecular consequence: nonsense. On other transcripts: non-coding transcript variant (1).
Genome position (GRCh38, 1-based): chr7:150,958,287, C>A on the plus strand (G>T on the coding strand, the complement: KCNH2 is on the minus strand). VCF-style: chr7-150958287-C-A. GRCh37 (hg19) VCF-style: chr7-150655375-C-A.
Other names: c.688G>T, p.Glu230Ter (NM_172056.3); c.400G>T, p.Glu134Ter (NM_001406753.1, NM_001406756.1); c.511G>T, p.Glu171Ter (NM_001406755.1); c.388G>T, p.Glu130Ter (NM_001406757.1); short protein forms E130*, E134*, E230*, E171*.
Identifiers: ClinVar variation 2831712 (VCV002831712.3), dbSNP rs2486091720, ClinGen allele CA369862828.

ClinVar aggregate classification (germline): Pathogenic (1 of 4 stars; one submission).

Conditions:
Long QT syndrome (LQTS). Identifiers: MedGen C0023976, MeSH D008133, MONDO:0002442. Disease mechanism: loss of function. Inheritance: Various modes of inheritance.

Submission:

Labcorp Genetics (formerly Invitae), Labcorp
Classification: Pathogenic for Long QT syndrome. Last evaluated: 2023-01-24. Review status: criteria provided, single submitter. Criteria: Invitae Variant Classification Sherloc (09022015). Collection method: clinical testing. Allele origin: germline.
Comment: This sequence change creates a premature translational stop signal (p.Glu230*) in the KCNH2 gene. It is expected to result in an absent or disrupted protein product. Loss-of-function variants in KCNH2 are known to be pathogenic (PMID: 10973849, 19862833). This variant is not present in population databases (gnomAD no frequency). This variant has not been reported in the literature in individuals affected with KCNH2-related conditions. For these reasons, this variant has been classified as Pathogenic.

Literature cited by the submitters: PubMed 10973849; PubMed 19862833.